The following is an entry in ClinVar:

ClinVar aggregate classification (germline): Benign. Review status: criteria provided, multiple submitters, no conflicts (2 of 4 stars). 3 submissions from 3 submitters: Benign (2). 1 of the submissions does not count toward it. Last evaluated 2026-01-28.

Conditions:
DNAJC17-related disorder. Also called: DNAJC17-related condition.

Allele frequency attached by ClinVar (database versions not stated): 1000 Genomes Project 30x 0.00172; 1000 Genomes Project 0.00200; TOPMed 0.00366; gnomAD 0.00367 and 0.00371; ExAC 0.00413; ESP Exome Variant Server 0.00484.
gnomAD v4.1: 7,996 of 1,614,034 alleles (0.5%); highest among the groups gnomAD compares: Non-Finnish European, 0.59%; 27 homozygotes.

Submissions (3):

Labcorp Genetics (formerly Invitae), Labcorp
Classification: Benign. Last evaluated: 2026-01-28. Review status: criteria provided, single submitter. Criteria: Invitae Variant Classification Sherloc (09022015). Collection method: clinical testing. Allele origin: germline.

Breakthrough Genomics
Classification: Benign. Review status: criteria provided, single submitter. Criteria: ACMG Guidelines, 2015. Collection method: not provided. Allele origin: germline. Inheritance: Unknown mechanism. Affected: yes.

PreventionGenetics, part of Exact Sciences
Classification: Likely benign for DNAJC17-related condition. Last evaluated: 2024-07-05. Review status: no assertion criteria provided. Collection method: clinical testing. Allele origin: germline. Not counted in ClinVar's aggregate classification.
Comment: This variant is classified as likely benign based on ACMG/AMP sequence variant interpretation guidelines (Richards et al. 2015 PMID: 25741868, with internal and published modifications).

NM_018163.3(DNAJC17):c.610G>C (p.Val204Leu)

Gene: DNAJC17 (DnaJ heat shock protein family (Hsp40) member C17; minus strand). Cytogenetic location: 15q15.1.
Variant type: single nucleotide variant.
Coding change: c.610G>C on transcript NM_018163.3 (MANE Select); coding-DNA position 610, G replaced by C.
Protein change: p.Val204Leu; replaces valine 204 with leucine.
Molecular consequence: missense variant.
Genome position (GRCh38, 1-based): chr15:40,774,427, C>G on the plus strand (G>C on the coding strand, the complement: DNAJC17 is on the minus strand). VCF-style: chr15-40774427-C-G. GRCh37 (hg19) VCF-style: chr15-41066625-C-G.
Other names: c.610G>C (NM_018163.2); short protein forms V204L.
Identifiers: ClinVar variation 1640998 (VCV001640998.11), dbSNP rs117485355, ClinGen allele CA7485068.